The following is an entry in ClinVar:

NM_000548.5(TSC2):c.2113G>A (p.Val705Met)

Gene: TSC2 (TSC complex subunit 2; plus strand). Cytogenetic location: 16p13.3.
Variant type: single nucleotide variant.
Coding change: c.2113G>A on transcript NM_000548.5 (MANE Select); coding-DNA position 2113, G replaced by A.
Protein change: p.Val705Met; replaces valine 705 with methionine.
Molecular consequence: missense variant.
Genome position (GRCh38, 1-based): chr16:2,072,256, G>A. VCF-style: chr16-2072256-G-A. GRCh37 (hg19) VCF-style: chr16-2122257-G-A.
Other names: c.2113G>A, p.Val705Met (NM_001077183.3, NM_001114382.3, NM_001363528.2 and 3 more transcripts); c.2002G>A, p.Val668Met (NM_001318827.2); c.1966G>A, p.Val656Met (NM_001318829.2); c.1513G>A, p.Val505Met (NM_001318831.2); c.2146G>A, p.Val716Met (NM_001318832.2); c.2113G>A (NM_000548.4); short protein forms V705M, V505M, V656M, V668M, V716M.
Identifiers: ClinVar variation 65328 (VCV000065328.28), dbSNP rs397515241, ClinGen allele CA016792.
Genomic context (GRCh38, chr16:2,072,256, plus strand): 5'-TCTAGGGTCCAGAAGGCCCTGTCCTGACGCCTCCTCTCCTCGCAGGAGTCTGACTGGAAG[G>A]TGCTGAAGCTGGTTCTGGGCAGGCTGCCTGAGTCCCTGCGCTATAAAGTGCTCATCTTTA-3'
Protein context (NP_000539.2, residues 695-715): QCLKQESDWK[Val705Met]LKLVLGRLPE

ClinVar aggregate classification (germline): Conflicting classifications of pathogenicity. Review status: criteria provided, conflicting classifications (1 of 4 stars). 9 submissions from 9 submitters: Pathogenic (2); Likely pathogenic (5); Uncertain significance (1). 1 of the submissions does not count toward it. Last evaluated 2026-04-01.

Conditions:
TSC2-related disorder. Also called: TSC2-Related Disorders; TSC2-related condition.
Hereditary cancer-predisposing syndrome. Also called: Hereditary Cancer Syndrome; Neoplastic Syndromes, Hereditary; Hereditary neoplastic syndrome; Tumor predisposition. Identifiers: Orphanet 140162, MedGen C0027672, MeSH D009386, MONDO:0015356.
Tuberous sclerosis syndrome (TSC). Also called: Tuberous Sclerosis Complex; Tuberous sclerosis. Identifiers: Orphanet 805, MedGen C0041341, MONDO:0001734.
Tuberous sclerosis 2 (TSC2). Identifiers: Orphanet 805, MedGen C1860707, MONDO:0013199, OMIM 613254.

Submissions (9):

PreventionGenetics, part of Exact Sciences
Classification: Likely pathogenic for TSC2-related condition. Last evaluated: 2026-04-01. Review status: criteria provided, single submitter. Criteria: ACMG Guidelines, 2015. Collection method: clinical testing. Allele origin: germline.
Comment: The TSC2 c.2113G>A variant is predicted to result in the amino acid substitution p.Val705Met. This variant has been reported in an individual with suspected tuberous sclerosis as well as in an individual with confirmed tuberous sclerosis and a positive family history (Table S2, Hoogeveen-Westerveld et al., 2013. PubMed ID: 22903760; Suppl. Table 5, Davis et al. 2017. PubMed ID: 29101226). Functional studies demonstrate that this variant is damaging to protein function (Table S1, Hoogeveen-Westerveld et al., 2013. PubMed ID: 22903760). At PreventionGenetics, we previously identified this variant in three newborn or infant siblings with cardiac rhabdomyomas and in the father with no clear signs of disease in adulthood. An alternate missense change impacting the same amino acid, p.Val705Glu, has been reported in an individual with tuberous sclerosis and in vitro studies demonstrate it is damaging to protein function (Table S1 and S2, Hoogeveen-Westerveld et al. 2013. PubMed ID: 22903760; Table S1, van Eeghen et al. 2013. PubMed ID: 22867869). A third missense, p.Val705Gly, has been detected as mosaic in an affected infant (Suppl. Table 3b, Wojcik et al. 2019. PubMed ID: 31395954). The c.2113G>A (p.Val705Met) variant is not observed in a large population database and has conflicting interpretations in ClinVar ranging from pathogenic and likely pathogenic to uncertain (Variation ID: 65328). This variant is interpreted as likely pathogenic.

GeneDx
Classification: Likely pathogenic. Last evaluated: 2025-08-12. Review status: criteria provided, single submitter. Criteria: GeneDx Variant Classification Process June 2021. Collection method: clinical testing. Allele origin: germline. Affected: yes.
Comment: Published functional studies demonstrate a damaging effect on TSC1-TSC2 complex formation (PMID: 22903760); Not observed at significant frequency in large population cohorts (gnomAD); In silico analysis supports that this missense variant has a deleterious effect on protein structure/function; This variant is associated with the following publications: (PMID: 29101226, 22903760, 22867869)

Labcorp Genetics (formerly Invitae), Labcorp
Classification: Uncertain significance for Tuberous sclerosis 2. Last evaluated: 2025-08-03. Review status: criteria provided, single submitter. Criteria: Invitae Variant Classification Sherloc (09022015). Collection method: clinical testing. Allele origin: germline.
Comment: This sequence change replaces valine, which is neutral and non-polar, with methionine, which is neutral and non-polar, at codon 705 of the TSC2 protein (p.Val705Met). This variant is not present in population databases (gnomAD no frequency). This missense change has been observed in individual(s) with tuberous sclerosis complex (PMID: 22903760, 29101226). ClinVar contains an entry for this variant (Variation ID: 65328). Invitae Evidence Modeling of protein sequence and biophysical properties (such as structural, functional, and spatial information, amino acid conservation, physicochemical variation, residue mobility, and thermodynamic stability) has been performed for this missense variant. However, the output from this modeling did not meet the statistical confidence thresholds required to predict the impact of this variant on TSC2 protein function. Experimental studies have shown that this missense change affects TSC2 function (PMID: 22903760). In summary, the available evidence is currently insufficient to determine the role of this variant in disease. Therefore, it has been classified as a Variant of Uncertain Significance.

Ambry Genetics
Classification: Likely pathogenic for Hereditary cancer-predisposing syndrome. Last evaluated: 2025-05-02. Review status: criteria provided, single submitter. Criteria: Ambry Variant Classification Scheme 2023. Collection method: clinical testing. Allele origin: germline.
Comment: The p.V705M variant (also known as c.2113G>A), located in coding exon 19 of the TSC2 gene, results from a G to A substitution at nucleotide position 2113. The valine at codon 705 is replaced by methionine, an amino acid with highly similar properties. An in vitro functional assay showed that this variant is deleterious compared to wild-type (Hoogeveen-Westerveld M et al. Hum Mutat 2013 Jan;34(1):167-75). This alteration has been observed in at least one individual with a personal and/or family history that is consistent with TSC2-related disease (Personal communication). This amino acid position is highly conserved in available vertebrate species. Based on the majority of available evidence to date, this variant is likely to be pathogenic.

Quest Diagnostics Nichols Institute San Juan Capistrano
Classification: Pathogenic. Last evaluated: 2022-06-30. Review status: criteria provided, single submitter. Criteria: Quest Diagnostics criteria. Collection method: clinical testing. Allele origin: unknown.
Comment: This variant has not been reported in large, multi-ethnic general populations. In the published literature, the variant has been reported in individuals with TSC (PMID: 29101226 (2017), 22903760 (2012)). A functional study reported this variant as damaging to protein function (PMID: 22903760 (2012)). Analysis of this variant using bioinformatics tools for the prediction of the effect of amino acid changes on protein structure and function yielded predictions that this variant is damaging. Based on the available information, this variant is classified as pathogenic.

Genome-Nilou Lab
Classification: Likely pathogenic for Tuberous sclerosis 2. Last evaluated: 2021-11-07. Review status: criteria provided, single submitter. Criteria: ACMG Guidelines, 2015. Collection method: clinical testing. Allele origin: germline. Affected: no.

Mayo Clinic Laboratories, Mayo Clinic
Classification: Likely pathogenic. Last evaluated: 2020-02-11. Review status: criteria provided, single submitter. Criteria: ACMG Guidelines, 2015. Collection method: clinical testing. Allele origin: germline. Observed: 1 variant allele.
Comment: PS3, PM2

Center for Human Genetics, Inc
Classification: Pathogenic for Tuberous sclerosis 2. Last evaluated: 2016-11-01. Review status: criteria provided, single submitter. Criteria: ACMG Guidelines, 2015. Collection method: clinical testing. Allele origin: germline. Affected: yes.

Tuberous sclerosis database (TSC2)
No classification provided. Condition: TSC. Review status: no classification provided. Criteria: Tuberous Sclerosis Database Assertion Criteria 2015. Collection method: curation. Allele origin: germline. Affected: yes. Not counted in ClinVar's aggregate classification.

Literature cited by the submitters: PubMed 22903760 (cited by 3 submitters); PubMed 29101226 (cited by 3 submitters).